The following is an entry in ClinVar:

ClinVar aggregate classification (germline): Uncertain significance (1 of 4 stars; one submission).

Submission:

Labcorp Genetics (formerly Invitae), Labcorp
Classification: Uncertain significance. Last evaluated: 2024-01-22. Review status: criteria provided, single submitter. Criteria: Invitae Variant Classification Sherloc (09022015). Collection method: clinical testing. Allele origin: germline.
Comment: This sequence change replaces leucine, which is neutral and non-polar, with serine, which is neutral and polar, at codon 365 of the DNA2 protein (p.Leu365Ser). This variant is not present in population databases (gnomAD no frequency). This variant has not been reported in the literature in individuals affected with DNA2-related conditions. Advanced modeling of protein sequence and biophysical properties (such as structural, functional, and spatial information, amino acid conservation, physicochemical variation, residue mobility, and thermodynamic stability) has been performed at Invitae for this missense variant, however the output from this modeling did not meet the statistical confidence thresholds required to predict the impact of this variant on DNA2 protein function. In summary, the available evidence is currently insufficient to determine the role of this variant in disease. Therefore, it has been classified as a Variant of Uncertain Significance.

NM_001080449.3(DNA2):c.1094T>C (p.Leu365Ser)

Gene: DNA2 (DNA replication helicase/nuclease 2; minus strand). Cytogenetic location: 10q21.3.
Variant type: single nucleotide variant.
Coding change: c.1094T>C on transcript NM_001080449.3 (MANE Select); coding-DNA position 1094, T replaced by C.
Protein change: p.Leu365Ser; replaces leucine 365 with serine.
Molecular consequence: missense variant. On other transcripts: non-coding transcript variant (1).
Genome position (GRCh38, 1-based): chr10:68,445,047, A>G on the plus strand (T>C on the coding strand, the complement: DNA2 is on the minus strand). VCF-style: chr10-68445047-A-G. GRCh37 (hg19) VCF-style: chr10-70204804-A-G.
Other names: short protein forms L365S.
Identifiers: ClinVar variation 2863298 (VCV002863298.3), dbSNP rs2493959348, ClinGen allele CA376862704.